The following is an entry in ClinVar:

ClinVar aggregate classification (germline): Likely benign. Review status: reviewed by expert panel (3 of 4 stars). 8 submissions from 8 submitters: Likely benign (1). 7 of the submissions do not count toward it. Last evaluated 2017-06-29.

Conditions:
Hereditary breast ovarian cancer syndrome. Also called: Hereditary breast and ovarian cancer; Hereditary breast and ovarian cancer syndrome; Breast and ovarian cancer; Hereditary breast and ovarian cancer syndrome (HBOC); Hereditary breast and/or ovarian cancer syndrome; BRCA1- and BRCA2-Associated Hereditary Breast and Ovarian Cancer. Identifiers: Orphanet 145, MedGen C0677776, MeSH D061325, MONDO:0003582. Disease mechanism: loss of function.
Hereditary cancer-predisposing syndrome. Also called: Hereditary Cancer Syndrome; Neoplastic Syndromes, Hereditary; Tumor predisposition; Hereditary neoplastic syndrome. Identifiers: Orphanet 140162, MedGen C0027672, MeSH D009386, MONDO:0015356.
Breast-ovarian cancer, familial, susceptibility to, 2 (BROVCA2). Also called: BRCA2 Hereditary Breast and Ovarian Cancer. Identifiers: Orphanet 145, MedGen C2675520, MONDO:0012933, OMIM 612555. Disease mechanism: loss of function.
Malignant tumor of breast. Also called: Cancer breast; Malignant breast neoplasm. Identifiers: MedGen C0006142, MONDO:0007254. Disease mechanism: loss of function.

Allele frequency attached by ClinVar (database versions not stated): gnomAD exomes below 0.00001; gnomAD 0.00001.
gnomAD v4.1: 6 of 1,595,178 alleles (0.00038%); highest among the groups gnomAD compares: Non-Finnish European, 0.00043%; no homozygotes.

Submissions (8):

Evidence-based Network for the Interpretation of Germline Mutant Alleles (ENIGMA)
Classification: Likely benign for Breast-ovarian cancer, familial, susceptibility to, 2. Last evaluated: 2017-06-29. Review status: reviewed by expert panel. Criteria: ENIGMA BRCA1/2 Classification Criteria (2017-06-29). Collection method: curation. Allele origin: germline.
Comment: Synonymous substitution variant, with low bioinformatic likelihood to result in a splicing aberration (Splicing prior probability 0.02).

Labcorp Genetics (formerly Invitae), Labcorp
Classification: Likely benign for Hereditary breast ovarian cancer syndrome. Last evaluated: 2024-06-10. Review status: criteria provided, single submitter. Criteria: Invitae Variant Classification Sherloc (09022015). Collection method: clinical testing. Allele origin: germline. Not counted in ClinVar's aggregate classification.

Quest Diagnostics Nichols Institute San Juan Capistrano
Classification: Likely benign. Last evaluated: 2020-02-21. Review status: criteria provided, single submitter. Criteria: Quest Diagnostics criteria. Collection method: clinical testing. Allele origin: unknown. Not counted in ClinVar's aggregate classification.

Women's Health and Genetics/Laboratory Corporation of America, LabCorp
Classification: Likely benign. Last evaluated: 2019-08-21. Review status: criteria provided, single submitter. Criteria: LabCorp Variant Classification Summary - May 2015. Collection method: clinical testing. Allele origin: germline. Not counted in ClinVar's aggregate classification.

GeneDx
Classification: Likely benign. Last evaluated: 2017-03-10. Review status: criteria provided, single submitter. Criteria: GeneDx Variant Classification (06012015). Collection method: clinical testing. Allele origin: germline. Affected: yes. Not counted in ClinVar's aggregate classification.
Comment: This variant is considered likely benign or benign based on one or more of the following criteria: it is a conservative change, it occurs at a poorly conserved position in the protein, it is predicted to be benign by multiple in silico algorithms, and/or has population frequency not consistent with disease.

Color Diagnostics, LLC DBA Color Health
Classification: Likely benign for Hereditary cancer-predisposing syndrome. Last evaluated: 2015-12-08. Review status: criteria provided, single submitter. Criteria: ACMG Guidelines, 2015. Collection method: clinical testing. Allele origin: germline. Not counted in ClinVar's aggregate classification.

Ambry Genetics
Classification: Likely benign for Hereditary cancer-predisposing syndrome. Last evaluated: 2015-01-02. Review status: criteria provided, single submitter. Criteria: Ambry Variant Classification Scheme 2023. Collection method: clinical testing. Allele origin: germline. Not counted in ClinVar's aggregate classification.

Department of Pathology and Laboratory Medicine, Sinai Health System
Classification: Likely benign for Malignant tumor of breast. Review status: no assertion criteria provided. Collection method: clinical testing. Allele origin: unknown. Affected: yes. Observed: 1 variant allele. Study: The Canadian Open Genetics Repository (COGR). Not counted in ClinVar's aggregate classification.
Comment: The p.Leu1103Leu variant was not identified in the literature, nor was it identified in the dbSNP, NHLBI Exome Sequencing Project (Exome Variant Server), Exome Aggregation Consortium (ExAC), HGMD, LOVD, COSMIC, ClinVar, GeneInsight VariantWire, BIC or UMD. The p.Leu1103Leu variant is not expected to have clinical significance because it does not result in a change of amino acid and is not located in a known consensus splice site. In addition, in silico or computational prediction software programs (SpliceSiteFinder, MaxEntScan, NNSPLICE, GeneSplicer, HumanSpliceFinder) do not predict a difference in splicing. In summary, based on the above information, the clinical significance of this variant cannot be determined with certainty at this time although we would lean towards a more benign role for this variant. This variant is classified as predicted benign.

NM_000059.4(BRCA2):c.3309A>G (p.Leu1103=)

Gene: BRCA2 (BRCA2 DNA repair associated; plus strand). Cytogenetic location: 13q13.1.
Variant type: single nucleotide variant.
Coding change: c.3309A>G on transcript NM_000059.4 (MANE Select); coding-DNA position 3309, A replaced by G.
Protein change: p.Leu1103=; no amino-acid change (leucine 1103 retained).
Molecular consequence: synonymous variant.
Genome position (GRCh38, 1-based): chr13:32,337,664, A>G. VCF-style: chr13-32337664-A-G. GRCh37 (hg19) VCF-style: chr13-32911801-A-G.
Identifiers: ClinVar variation 187760 (VCV000187760.25), dbSNP rs786203980, ClinGen allele CA017766.